The following is an entry in ClinVar:

NM_001007527.2(LMBRD2):c.2052C>T (p.Leu684=)

Gene: LMBRD2 (LMBR1 domain containing 2; minus strand). Cytogenetic location: 5p13.2.
Variant type: single nucleotide variant.
Coding change: c.2052C>T on transcript NM_001007527.2 (MANE Select); coding-DNA position 2052, C replaced by T.
Protein change: p.Leu684=; no amino-acid change (leucine 684 retained).
Molecular consequence: synonymous variant.
Genome position (GRCh38, 1-based): chr5:36,104,082, G>A on the plus strand (C>T on the coding strand, the complement: LMBRD2 is on the minus strand). VCF-style: chr5-36104082-G-A. GRCh37 (hg19) VCF-style: chr5-36104184-G-A.
Identifiers: ClinVar variation 5041761 (VCV005041761.1).

ClinVar aggregate classification (germline): Likely benign (1 of 4 stars; one submission).

gnomAD v4.1: 2 of 1,610,702 alleles (0.00012%); highest among the groups gnomAD compares: Admixed American, 0.0033%; no homozygotes.

Submission:

CeGaT Center for Human Genetics Tuebingen
Classification: Likely benign. Last evaluated: 2026-09-01. Review status: criteria provided, single submitter. Criteria: CeGaT Center For Human Genetics Tuebingen Variant Classification Criteria Version 2. Collection method: clinical testing. Allele origin: germline. Affected: yes. Observed: 1 variant allele.
Comment: LMBRD2: BP4, BP7